The following is an entry in ClinVar:

ClinVar aggregate classification (germline): Benign. Review status: criteria provided, single submitter (1 of 4 stars). 2 submissions from 2 submitters: Benign (1). 1 of the submissions does not count toward it. Last evaluated 2017-09-20.

Conditions:
FAT3-related disorder. Also called: FAT3-related condition.

Allele frequency attached by ClinVar (database versions not stated): gnomAD exomes 0.00082 and 0.00206; ExAC 0.00240; gnomAD 0.00804 and 0.00867; TOPMed 0.00917; 1000 Genomes Project 0.00958; ESP Exome Variant Server 0.00958; 1000 Genomes Project 30x 0.01062.
gnomAD v4.1: 2,470 of 1,612,384 alleles (0.15%); highest among the groups gnomAD compares: African/African-American, 2.9%; 35 homozygotes.

Submissions (2):

Labcorp Genetics (formerly Invitae), Labcorp
Classification: Benign. Last evaluated: 2017-09-20. Review status: criteria provided, single submitter. Criteria: Invitae Variant Classification Sherloc (09022015). Collection method: clinical testing. Allele origin: germline.

PreventionGenetics, part of Exact Sciences
Classification: Benign for FAT3-related condition. Last evaluated: 2019-04-02. Review status: no assertion criteria provided. Collection method: clinical testing. Allele origin: germline. Not counted in ClinVar's aggregate classification.
Comment: This variant is classified as benign based on ACMG/AMP sequence variant interpretation guidelines (Richards et al. 2015 PMID: 25741868, with internal and published modifications).

NM_001367949.2(FAT3):c.4196-3C>T

Gene: FAT3 (FAT atypical cadherin 3; plus strand). Cytogenetic location: 11q14.3.
Variant type: single nucleotide variant.
Coding change: c.4196-3C>T on transcript NM_001367949.2 (MANE Select); 3 bases into the intron before coding-DNA position 4196, C replaced by T.
Molecular consequence: intron variant.
Genome position (GRCh38, 1-based): chr11:92,774,038, C>T. VCF-style: chr11-92774038-C-T. GRCh37 (hg19) VCF-style: chr11-92507204-C-T.
Other names: c.4196-3C>T (NM_001008781.3).
Identifiers: ClinVar variation 785374 (VCV000785374.5), dbSNP rs149381905, ClinGen allele CA6226871.